The following is an entry in ClinVar:

ClinVar aggregate classification (germline): Uncertain significance (1 of 4 stars; one submission).

Conditions:
Autosomal recessive nonsyndromic hearing loss 18B. Also called: Deafness, autosomal recessive 18b. Identifiers: Orphanet 90636, MedGen C3554163, MONDO:0013985, OMIM 614945.

gnomAD v4.1: 1 of 1,550,782 alleles (0.000064%); highest among the groups gnomAD compares: Admixed American, 0.002%; no homozygotes.

Submission:

Dasa
Classification: Uncertain significance for Autosomal recessive nonsyndromic hearing loss 18B. Last evaluated: 2025-09-19. Review status: criteria provided, single submitter. Criteria: DASA Assertion Criteria. Collection method: clinical testing. Allele origin: germline.
Comment: NM_001292063.2(OTOG):c.1406C>T (p.Thr469Ile) is a missense variant that results in the substitution of threonine with isoleucine. This variant has been observed in affected individuals with OTOG-related disorders. Also, this variant is rare in population databases. Computational prediction algorithms are consistent with a benign effect. The currently available literature and clinical evidence are not sufficient to establish a definitive association between this variant and the reported condition. Therefore, this variant is classified as a variant of uncertain significance.

NM_001292063.2(OTOG):c.1406C>T (p.Thr469Ile)

Gene: OTOG (otogelin; plus strand). Cytogenetic location: 11p15.1.
Variant type: single nucleotide variant.
Coding change: c.1406C>T on transcript NM_001292063.2 (MANE Select); coding-DNA position 1406, C replaced by T.
Protein change: p.Thr469Ile; replaces threonine 469 with isoleucine.
Molecular consequence: missense variant.
Genome position (GRCh38, 1-based): chr11:17,560,772, C>T. VCF-style: chr11-17560772-C-T. GRCh37 (hg19) VCF-style: chr11-17582319-C-T.
Other names: c.1442C>T, p.Thr481Ile (NM_001277269.2); short protein forms T469I, T481I.
Identifiers: ClinVar variation 4882672 (VCV004882672.2).